The following is an entry in ClinVar:

ClinVar aggregate classification (germline): Conflicting classifications of pathogenicity. Review status: criteria provided, conflicting classifications (1 of 4 stars). 2 submissions from 2 submitters: Likely pathogenic (1); Uncertain significance (1). Last evaluated 2025-11-05.

Conditions:
Loeys-Dietz syndrome 1 (LDS1). Also called: FURLONG SYNDROME; AORTIC ANEURYSM, FAMILIAL THORACIC 5; TGFBR1-Related Loeys-Dietz Syndrome. Identifiers: Orphanet 60030, MedGen C4551955, MONDO:0012212, OMIM 609192.

Submissions (2):

Institute of Human Genetics, Heidelberg University
Classification: Likely pathogenic for Loeys-Dietz syndrome 1. Last evaluated: 2025-11-05. Review status: criteria provided, single submitter. Criteria: ACMG Guidelines, 2015. Collection method: clinical testing. Allele origin: unknown. Affected: yes. Observed: 1 variant allele.
Comment: PM2_supp; PM5; PP3_strong; PP4

GeneDx
Classification: Uncertain significance. Last evaluated: 2025-03-26. Review status: criteria provided, single submitter. Criteria: GeneDx Variant Classification Process June 2021. Collection method: clinical testing. Allele origin: germline. Affected: yes.
Comment: Not observed at significant frequency in large population cohorts (gnomAD); In silico analysis supports that this missense variant has a deleterious effect on protein structure/function; Has not been previously published as pathogenic or benign to our knowledge

NM_004612.4(TGFBR1):c.647T>G (p.Phe216Cys)

Gene: TGFBR1 (transforming growth factor beta receptor 1; plus strand). Cytogenetic location: 9q22.33.
Variant type: single nucleotide variant.
Coding change: c.647T>G on transcript NM_004612.4 (MANE Select); coding-DNA position 647, T replaced by G.
Protein change: p.Phe216Cys; replaces phenylalanine 216 with cysteine.
Molecular consequence: missense variant. On other transcripts: non-coding transcript variant (4), intron variant (2).
Genome position (GRCh38, 1-based): chr9:99,137,931, T>G. VCF-style: chr9-99137931-T-G. GRCh37 (hg19) VCF-style: chr9-101900213-T-G.
Other names: c.416T>G, p.Phe139Cys (NM_001130916.3); c.659T>G, p.Phe220Cys (NM_001306210.2, NM_001407416.1); c.647T>G, p.Phe216Cys (NM_001407417.1); c.452T>G, p.Phe151Cys (NM_001407418.1, NM_001407419.1, NM_001407420.1 and 1 more transcripts); c.440T>G, p.Phe147Cys (NM_001407423.1, NM_001407424.1, NM_001407425.1 and 8 more transcripts); c.401T>G, p.Phe134Cys (NM_001407436.1); c.170T>G, p.Phe57Cys (NM_001407438.1); c.575-4605T>G (NM_001407435.1); and 1 more; short protein forms F134C, F216C, F57C, F139C, F147C, F151C, F220C.
Identifiers: ClinVar variation 4088034 (VCV004088034.2).